The following is an entry in ClinVar:

NM_001458.5(FLNC):c.92A>T (p.Asp31Val)

Gene: FLNC (filamin C; plus strand). Cytogenetic location: 7q32.1.
Variant type: single nucleotide variant.
Coding change: c.92A>T on transcript NM_001458.5 (MANE Select); coding-DNA position 92, A replaced by T.
Protein change: p.Asp31Val; replaces aspartic acid 31 with valine.
Molecular consequence: missense variant.
Genome position (GRCh38, 1-based): chr7:128,830,729, A>T. VCF-style: chr7-128830729-A-T. GRCh37 (hg19) VCF-style: chr7-128470783-A-T.
Other names: c.92A>T, p.Asp31Val (NM_001127487.2); short protein forms D31V.
Identifiers: ClinVar variation 2123740 (VCV002123740.4), dbSNP rs2536605023, ClinGen allele CA369215689.

ClinVar aggregate classification (germline): Uncertain significance (1 of 4 stars; one submission).

Conditions:
Myofibrillar myopathy 5. Also called: Filaminopathy (type); FILAMINOPATHY, AUTOSOMAL DOMINANT. Identifiers: Orphanet 171445, MedGen C1836050, MONDO:0012289, OMIM 609524.
Distal myopathy with posterior leg and anterior hand involvement. Also called: WILLIAMS DISTAL MYOPATHY. Identifiers: Orphanet 63273, MedGen C3279722, MONDO:0013550, OMIM 614065.
Hypertrophic cardiomyopathy 26. Also called: Cardiomyopathy, familial hypertrophic, 26. Identifiers: Orphanet 75249, MedGen C4310749, MONDO:0014883, OMIM 617047.

Submission:

Labcorp Genetics (formerly Invitae), Labcorp
Classification: Uncertain significance for Distal myopathy with posterior leg and anterior hand involvement; Myofibrillar myopathy 5; Hypertrophic cardiomyopathy 26. Last evaluated: 2022-04-09. Review status: criteria provided, single submitter. Criteria: Invitae Variant Classification Sherloc (09022015). Collection method: clinical testing. Allele origin: germline.
Comment: This variant is not present in population databases (gnomAD no frequency). This sequence change replaces aspartic acid, which is acidic and polar, with valine, which is neutral and non-polar, at codon 31 of the FLNC protein (p.Asp31Val). This variant has not been reported in the literature in individuals affected with FLNC-related conditions. In summary, the available evidence is currently insufficient to determine the role of this variant in disease. Therefore, it has been classified as a Variant of Uncertain Significance. Algorithms developed to predict the effect of missense changes on protein structure and function are either unavailable or do not agree on the potential impact of this missense change (SIFT: "Deleterious"; PolyPhen-2: "Possibly Damaging"; Align-GVGD: "Class C0").